The following is an entry in ClinVar:

NM_019885.4(CYP26B1):c.1435G>A (p.Val479Ile)

Gene: CYP26B1 (cytochrome P450 family 26 subfamily B member 1; minus strand). Cytogenetic location: 2p13.2.
Variant type: single nucleotide variant.
Coding change: c.1435G>A on transcript NM_019885.4 (MANE Select); coding-DNA position 1435, G replaced by A.
Protein change: p.Val479Ile; replaces valine 479 with isoleucine.
Molecular consequence: missense variant.
Genome position (GRCh38, 1-based): chr2:72,132,331, C>T on the plus strand (G>A on the coding strand, the complement: CYP26B1 is on the minus strand). VCF-style: chr2-72132331-C-T. GRCh37 (hg19) VCF-style: chr2-72359460-C-T.
Other names: c.1210G>A, p.Val404Ile (NM_001277742.2); short protein forms V479I, V404I.
Identifiers: ClinVar variation 1358857 (VCV001358857.7), dbSNP rs148075682, ClinGen allele CA1707752.

ClinVar aggregate classification (germline): Uncertain significance (1 of 4 stars; one submission).

Allele frequency attached by ClinVar (database versions not stated): ESP Exome Variant Server 0.00008; TOPMed 0.00012; gnomAD 0.00013 and 0.00014; ExAC 0.00018; 1000 Genomes Project 30x 0.00031; 1000 Genomes Project 0.00040.
gnomAD v4.1: 214 of 1,610,234 alleles (0.013%); highest among the groups gnomAD compares: East Asian, 0.13%; 2 homozygotes.

Submission:

Labcorp Genetics (formerly Invitae), Labcorp
Classification: Uncertain significance. Last evaluated: 2022-03-02. Review status: criteria provided, single submitter. Criteria: Invitae Variant Classification Sherloc (09022015). Collection method: clinical testing. Allele origin: germline.
Comment: This sequence change replaces valine, which is neutral and non-polar, with isoleucine, which is neutral and non-polar, at codon 479 of the CYP26B1 protein (p.Val479Ile). This variant is present in population databases (rs148075682, gnomAD 0.1%). This variant has not been reported in the literature in individuals affected with CYP26B1-related conditions. Algorithms developed to predict the effect of missense changes on protein structure and function output the following: SIFT: "Deleterious"; PolyPhen-2: "Benign"; Align-GVGD: "Class C0". The isoleucine amino acid residue is found in multiple mammalian species, which suggests that this missense change does not adversely affect protein function. In summary, the available evidence is currently insufficient to determine the role of this variant in disease. Therefore, it has been classified as a Variant of Uncertain Significance.